The following is an entry in ClinVar:

NM_006186.4(NR4A2):c.934C>G (p.Arg312Gly)

Gene: NR4A2 (nuclear receptor subfamily 4 group A member 2; minus strand). Cytogenetic location: 2q24.1.
Variant type: single nucleotide variant.
Coding change: c.934C>G on transcript NM_006186.4 (MANE Select); coding-DNA position 934, C replaced by G.
Protein change: p.Arg312Gly; replaces arginine 312 with glycine.
Molecular consequence: missense variant.
Genome position (GRCh38, 1-based): chr2:156,328,464, G>C on the plus strand (C>G on the coding strand, the complement: NR4A2 is on the minus strand). VCF-style: chr2-156328464-G-C. GRCh37 (hg19) VCF-style: chr2-157184976-G-C.
Other names: c.745C>G, p.Arg249Gly (NM_173173.3); short protein forms R249G, R312G.
Identifiers: ClinVar variation 3728338 (VCV003728338.2).

ClinVar aggregate classification (germline): Uncertain significance (1 of 4 stars; one submission).

Submission:

Labcorp Genetics (formerly Invitae), Labcorp
Classification: Uncertain significance. Last evaluated: 2024-12-31. Review status: criteria provided, single submitter. Criteria: Invitae Variant Classification Sherloc (09022015). Collection method: clinical testing. Allele origin: germline.
Comment: This sequence change replaces arginine, which is basic and polar, with glycine, which is neutral and non-polar, at codon 312 of the NR4A2 protein (p.Arg312Gly). This variant is not present in population databases (gnomAD no frequency). This variant has not been reported in the literature in individuals affected with NR4A2-related conditions. An algorithm developed to predict the effect of missense changes on protein structure and function (PolyPhen-2) suggests that this variant is likely to be disruptive. In summary, the available evidence is currently insufficient to determine the role of this variant in disease. Therefore, it has been classified as a Variant of Uncertain Significance.